The following is an entry in ClinVar:

NM_001040108.2(MLH3):c.1453G>C (p.Glu485Gln)

Gene: MLH3 (mutL homolog 3; minus strand). Cytogenetic location: 14q24.3.
Variant type: single nucleotide variant.
Coding change: c.1453G>C on transcript NM_001040108.2 (MANE Select); coding-DNA position 1453, G replaced by C.
Protein change: p.Glu485Gln; replaces glutamic acid 485 with glutamine.
Molecular consequence: missense variant.
Genome position (GRCh38, 1-based): chr14:75,048,203, C>G on the plus strand (G>C on the coding strand, the complement: MLH3 is on the minus strand). VCF-style: chr14-75048203-C-G. GRCh37 (hg19) VCF-style: chr14-75514906-C-G.
Other names: c.1453G>C, p.Glu485Gln (NM_014381.3); short protein forms E485Q.
Identifiers: ClinVar variation 1773004 (VCV001773004.7), dbSNP rs767227737, ClinGen allele CA7275873.

ClinVar aggregate classification (germline): Uncertain significance. Review status: criteria provided, multiple submitters, no conflicts (2 of 4 stars). 2 submissions from 2 submitters: Uncertain significance (2). Last evaluated 2025-10-18.

Conditions:
Colorectal cancer, hereditary nonpolyposis, type 7. Identifiers: Orphanet 144, MedGen C1858380, MONDO:0013725, OMIM 614385.

Allele frequency attached by ClinVar (database versions not stated): ExAC 0.00001; gnomAD 0.00001; gnomAD exomes 0.00001.
gnomAD v4.1: 23 of 1,613,490 alleles (0.0014%); highest among the groups gnomAD compares: South Asian, 0.025%; no homozygotes.

Submissions (2):

Ambry Genetics
Classification: Uncertain significance. Last evaluated: 2025-10-18. Review status: criteria provided, single submitter. Criteria: Ambry Variant Classification Scheme 2023. Collection method: clinical testing. Allele origin: germline.

Labcorp Genetics (formerly Invitae), Labcorp
Classification: Uncertain significance for Colorectal cancer, hereditary nonpolyposis, type 7. Last evaluated: 2023-11-20. Review status: criteria provided, single submitter. Criteria: Invitae Variant Classification Sherloc (09022015). Collection method: clinical testing. Allele origin: germline.
Comment: This sequence change replaces glutamic acid, which is acidic and polar, with glutamine, which is neutral and polar, at codon 485 of the MLH3 protein (p.Glu485Gln). This variant is present in population databases (rs767227737, gnomAD 0.01%). This variant has not been reported in the literature in individuals affected with MLH3-related conditions. ClinVar contains an entry for this variant (Variation ID: 1773004). An algorithm developed to predict the effect of missense changes on protein structure and function (PolyPhen-2) suggests that this variant is likely to be tolerated. In summary, the available evidence is currently insufficient to determine the role of this variant in disease. Therefore, it has been classified as a Variant of Uncertain Significance.